The following is an entry in ClinVar:

NM_133379.5(TTN):c.13792C>T (p.Pro4598Ser)

Gene: TTN (titin; minus strand). Cytogenetic location: 2q31.2.
Variant type: single nucleotide variant.
Coding change: c.13792C>T on transcript NM_133379.5; coding-DNA position 13792, C replaced by T.
Protein change: p.Pro4598Ser; replaces proline 4598 with serine.
Molecular consequence: missense variant. On other transcripts: intron variant (6).
Genome position (GRCh38, 1-based): chr2:178,748,608, G>A on the plus strand (C>T on the coding strand, the complement: TTN is on the minus strand). VCF-style: chr2-178748608-G-A. GRCh37 (hg19) VCF-style: chr2-179613335-G-A.
Other names: p.P4598S:CCA>TCA; c.10222+4516C>T (NM_003319.4); c.10798+4516C>T (NM_133437.4); c.10597+4516C>T (NM_133432.3); c.10360+4516C>T (NM_133378.4, NM_001256850.1); c.11311+4516C>T (NM_001267550.2); c.13792C>T (NM_133379.4); short protein forms P4598S.
Identifiers: ClinVar variation 47761 (VCV000047761.8), dbSNP rs145996491, ClinGen allele CA141844.
Genomic context (GRCh38, chr2:178,748,608, plus strand): 5'-GATCAAATACAATGTTCTCAGTGTCAGCAGGATGTTGGATTTTAAAATAAGCTTCTTCTG[G>A]TTGACCACTATCTAATTCTTGGAATTTCACATCTGTGTGTTTTATTTGAGTGTGAAACTG-3'

ClinVar aggregate classification (germline): Conflicting classifications of pathogenicity. Review status: criteria provided, conflicting classifications (1 of 4 stars). 4 submissions from 4 submitters: Uncertain significance (1); Likely benign (1). 2 of the submissions do not count toward it. Last evaluated 2024-08-20.

Conditions:
TTN-related disorder. Also called: TTN-related disorders; TTN-related condition; TTN-related disease.

Allele frequency attached by ClinVar (database versions not stated): gnomAD 0.00039 and 0.00038; 1000 Genomes Project 0.00040; ESP Exome Variant Server 0.00046; ExAC 0.00012; 1000 Genomes Project 30x 0.00031; TOPMed 0.00035.
gnomAD v4.1: 103 of 1,613,024 alleles (0.0064%); highest among the groups gnomAD compares: African/African-American, 0.13%; no homozygotes.

Submissions (4):

Blueprint Genetics
Classification: Likely benign. Last evaluated: 2024-08-20. Review status: criteria provided, single submitter. Criteria: ACMG Guidelines, 2015. Collection method: clinical testing. Allele origin: germline.

Laboratory for Molecular Medicine, Mass General Brigham Personalized Medicine
Classification: Uncertain significance. Last evaluated: 2013-06-27. Review status: criteria provided, single submitter. Criteria: LMM Criteria. Collection method: clinical testing. Allele origin: germline. Observed: 2 variant alleles.
Comment: Variant classified as Uncertain Significance - Favor Benign. It has also been identified in 0.1% (6/4406) of African American chromosom es by the NHLBI Exome Sequencing Project (dbS NP rs145996491). Computational analyses are limited or unavailable for this vari ant. While the frequency of this variant suggests that it is more likely benign, it is too low to confidently rule out a disease-causing role. Additional inform ation is needed to fully assess the clinical significance of this variant.

PreventionGenetics, part of Exact Sciences
Classification: Uncertain significance for TTN-related condition. Last evaluated: 2023-10-27. Review status: no assertion criteria provided. Collection method: clinical testing. Allele origin: germline. Not counted in ClinVar's aggregate classification.
Comment: The TTN c.13792C>T variant is predicted to result in the amino acid substitution p.Pro4598Ser. This variant has been reported in an individual with dilated cardiomyopathy (Table S6, Haas et al. 2015. PubMed ID: 25163546). This variant is reported in 0.14% of alleles in individuals of African descent in gnomAD. At this time, the clinical significance of this variant is uncertain due to the absence of conclusive functional and genetic evidence.

GeneDx
No classification provided. Last evaluated: 2013-10-07. Review status: no classification provided. Criteria: GeneDx Variant Classification (06012015). Collection method: clinical testing. Allele origin: germline. Affected: yes. Not counted in ClinVar's aggregate classification.
Comment: Missense variants in the TTN gene are considered 'unclassified' if they are not previously reported in the literature and do not have >1% frequency in the population to be considered a polymorphism. Research indicates that truncating mutations in the TTN gene are expected to account for approximately 25% of familial and 18% of sporadic idiopathic DCM; however, truncating variants in the TTN gene have been reported in approximately 3% of reported control alleles. There has been little investigation into non-truncating variants. (Herman D et al. Truncations of titin causing dilated cardiomyopathy. N Eng J Med 366:619-628, 2012) The variant is found in DCM-CRDM panel(s).